The following is an entry in ClinVar:

ClinVar aggregate classification (germline): Likely benign. Review status: criteria provided, multiple submitters, no conflicts (2 of 4 stars). 2 submissions from 2 submitters: Likely benign (2). Last evaluated 2026-01-05.

Conditions:
Developmental and epileptic encephalopathy, 12 (DEE12). Identifiers: MedGen C3150988, MONDO:0013389, OMIM 613722.

Allele frequency attached by ClinVar (database versions not stated): gnomAD exomes 0.00001; TOPMed 0.00002.
gnomAD v4.1: 7 of 1,540,394 alleles (0.00045%); highest among the groups gnomAD compares: Admixed American, 0.0059%; no homozygotes.

Submissions (2):

Labcorp Genetics (formerly Invitae), Labcorp
Classification: Likely benign for Developmental and epileptic encephalopathy, 12. Last evaluated: 2026-01-05. Review status: criteria provided, single submitter. Criteria: Invitae Variant Classification Sherloc (09022015). Collection method: clinical testing. Allele origin: germline.

GeneDx
Classification: Likely benign. Last evaluated: 2018-05-08. Review status: criteria provided, single submitter. Criteria: GeneDx Variant Classification (06012015). Collection method: clinical testing. Allele origin: germline. Affected: yes.
Comment: This variant is considered likely benign or benign based on one or more of the following criteria: it is a conservative change, it occurs at a poorly conserved position in the protein, it is predicted to be benign by multiple in silico algorithms, and/or has population frequency not consistent with disease.

NM_007254.4(PNKP):c.1029+16G>A

Gene: PNKP (polynucleotide kinase 3'-phosphatase; minus strand). Cytogenetic location: 19q13.33.
Variant type: single nucleotide variant.
Coding change: c.1029+16G>A on transcript NM_007254.4 (MANE Select); 16 bases into the intron after coding-DNA position 1029, G replaced by A.
Molecular consequence: intron variant.
Genome position (GRCh38, 1-based): chr19:49,862,355, C>T on the plus strand (G>A on the coding strand, the complement: PNKP is on the minus strand). VCF-style: chr19-49862355-C-T. GRCh37 (hg19) VCF-style: chr19-50365612-C-T.
Identifiers: ClinVar variation 669374 (VCV000669374.6), dbSNP rs982882766, ClinGen allele CA309494103.